The following is an entry in ClinVar:

ClinVar aggregate classification (germline): Likely pathogenic (1 of 4 stars; one submission).

Submission:

Labcorp Genetics (formerly Invitae), Labcorp
Classification: Likely pathogenic. Last evaluated: 2023-01-25. Review status: criteria provided, single submitter. Criteria: Invitae Variant Classification Sherloc (09022015). Collection method: clinical testing. Allele origin: germline.
Comment: This missense change has been observed in individual(s) with familial chylomicronemia syndrome (PMID: 8956052). In at least one individual the data is consistent with being in trans (on the opposite chromosome) from a pathogenic variant. In summary, the currently available evidence indicates that the variant is pathogenic, but additional data are needed to prove that conclusively. Therefore, this variant has been classified as Likely Pathogenic. Advanced modeling of protein sequence and biophysical properties (such as structural, functional, and spatial information, amino acid conservation, physicochemical variation, residue mobility, and thermodynamic stability) performed at Invitae indicates that this missense variant is expected to disrupt LPL protein function. This variant is also known as Glu163Gly. This variant is not present in population databases (gnomAD no frequency). This sequence change replaces glutamic acid, which is acidic and polar, with glycine, which is neutral and non-polar, at codon 190 of the LPL protein (p.Glu190Gly).

Literature cited by the submitters: PubMed 8956052.

NM_000237.3(LPL):c.569A>G (p.Glu190Gly)

Gene: LPL (lipoprotein lipase; plus strand). Cytogenetic location: 8p21.3.
Variant type: single nucleotide variant.
Coding change: c.569A>G on transcript NM_000237.3 (MANE Select); coding-DNA position 569, A replaced by G.
Protein change: p.Glu190Gly; replaces glutamic acid 190 with glycine.
Molecular consequence: missense variant.
Genome position (GRCh38, 1-based): chr8:19,954,147, A>G. VCF-style: chr8-19954147-A-G. GRCh37 (hg19) VCF-style: chr8-19811658-A-G.
Other names: short protein forms E190G.
Identifiers: ClinVar variation 2735128 (VCV002735128.3), dbSNP rs2540105684, ClinGen allele CA370468312.